The following is an entry in ClinVar:

ClinVar aggregate classification (germline): Uncertain significance (1 of 4 stars; one submission).

Submission:

Genetic Services Laboratory, University of Chicago
Classification: Uncertain significance. Last evaluated: 2020-12-24. Review status: criteria provided, single submitter. Criteria: ACMG Guidelines, 2015. Collection method: clinical testing. Allele origin: germline. Affected: no.
Comment: This sequence change does not appear to have been previously described in patients with RAD51-related disorders and has not been described in the large population databases such as ExAC and gnomAD databases. The p.Arg27Leu change affects a highly conserved amino acid residue located in a domain of the RAD51 protein that is known to be functional. In-silico pathogenicity prediction tools (SIFT, PolyPhen2, Align GVGD, REVEL) provide contradictory results for the p.Arg27Leu substitution. Due to these contrasting evidences and the lack of functional studies, the clinical significance of the p.Arg27Leu change remains unknown at this time.

NM_002875.5(RAD51):c.80G>T (p.Arg27Leu)

Gene: RAD51 (RAD51 recombinase; plus strand). Cytogenetic location: 15q15.1.
Variant type: single nucleotide variant.
Coding change: c.80G>T on transcript NM_002875.5 (MANE Select); coding-DNA position 80, G replaced by T.
Protein change: p.Arg27Leu; replaces arginine 27 with leucine.
Molecular consequence: missense variant.
Genome position (GRCh38, 1-based): chr15:40,698,838, G>T. VCF-style: chr15-40698838-G-T. GRCh37 (hg19) VCF-style: chr15-40991036-G-T.
Other names: c.80G>T, p.Arg27Leu (NM_001164269.2, NM_001164270.2, NM_133487.4); short protein forms R27L.
Identifiers: ClinVar variation 1337806 (VCV001337806.4), dbSNP rs778132081, ClinGen allele CA391744560.